The following is an entry in ClinVar:

NM_001273.5(CHD4):c.331A>G (p.Thr111Ala)

Gene: CHD4 (chromodomain helicase DNA binding protein 4; minus strand). Cytogenetic location: 12p13.31.
Variant type: single nucleotide variant.
Coding change: c.331A>G on transcript NM_001273.5 (MANE Select); coding-DNA position 331, A replaced by G.
Protein change: p.Thr111Ala; replaces threonine 111 with alanine.
Molecular consequence: missense variant.
Genome position (GRCh38, 1-based): chr12:6,602,067, T>C on the plus strand (A>G on the coding strand, the complement: CHD4 is on the minus strand). VCF-style: chr12-6602067-T-C. GRCh37 (hg19) VCF-style: chr12-6711233-T-C.
Other names: c.310A>G, p.Thr104Ala (NM_001297553.2); c.331A>G, p.Thr111Ala (NM_001363606.2); short protein forms T104A, T111A.
Identifiers: ClinVar variation 2574462 (VCV002574462.1), dbSNP rs2540415726, ClinGen allele CA383604804.

ClinVar aggregate classification (germline): Uncertain significance (1 of 4 stars; one submission).

Allele frequency attached by ClinVar (database versions not stated): gnomAD exomes below 0.00001.
gnomAD v4.1: 4 of 1,613,288 alleles (0.00025%); highest among the groups gnomAD compares: South Asian, 0.0011%; no homozygotes.

Submission:

GeneDx
Classification: Uncertain significance. Last evaluated: 2023-01-27. Review status: criteria provided, single submitter. Criteria: GeneDx Variant Classification Process June 2021. Collection method: clinical testing. Allele origin: germline. Affected: yes.
Comment: Not observed at significant frequency in large population cohorts (gnomAD); In silico analysis supports that this missense variant has a deleterious effect on protein structure/function; Has not been previously published as pathogenic or benign to our knowledge